The following is an entry in ClinVar:

ClinVar aggregate classification (germline): Uncertain significance. Review status: criteria provided, multiple submitters, no conflicts (2 of 4 stars). 3 submissions from 3 submitters: Uncertain significance (2). 1 of the submissions does not count toward it. Last evaluated 2024-12-17.

Conditions:
Female infertility. Identifiers: MedGen C0021361, MONDO:0021124, HP:0008222.
Abnormal meiosis. Identifiers: MedGen C4531070, HP:0031515.
Inborn genetic diseases. Identifiers: MedGen C0950123, MeSH D030342.

Submissions (3):

GeneDx
Classification: Uncertain significance. Last evaluated: 2024-12-17. Review status: criteria provided, single submitter. Criteria: GeneDx Variant Classification Process June 2021. Collection method: clinical testing. Allele origin: germline. Affected: yes.
Comment: Not observed at significant frequency in large population cohorts (gnomAD); In silico analysis indicates that this missense variant does not alter protein structure/function; Has not been previously published as pathogenic or benign to our knowledge

Ambry Genetics
Classification: Uncertain significance for Inborn genetic diseases. Last evaluated: 2024-10-09. Review status: criteria provided, single submitter. Criteria: Ambry Variant Classification Scheme 2023. Collection method: clinical testing. Allele origin: germline.

State Key Laboratory of Reproductive Medicine and Offspring Health, Nanjing Medical University
Classification: Pathogenic for Female infertility; Abnormal meiosis. Last evaluated: 2026-03-16. Review status: no assertion criteria provided. Collection method: clinical testing. Allele origin: paternal. Affected: yes. Not counted in ClinVar's aggregate classification.

Literature cited by the submitters: PubMed 40885416 (cited by State Key Laboratory of Reproductive Medicine and Offspring Health, Nanjing Medical University).

NM_016343.4(CENPF):c.616G>A (p.Asp206Asn)

Gene: CENPF (centromere protein F; plus strand). Cytogenetic location: 1q41.
Variant type: single nucleotide variant.
Coding change: c.616G>A on transcript NM_016343.4 (MANE Select); coding-DNA position 616, G replaced by A.
Protein change: p.Asp206Asn; replaces aspartic acid 206 with asparagine.
Molecular consequence: missense variant.
Genome position (GRCh38, 1-based): chr1:214,620,697, G>A. VCF-style: chr1-214620697-G-A. GRCh37 (hg19) VCF-style: chr1-214794040-G-A.
Other names: short protein forms D206N.
Identifiers: ClinVar variation 3490325 (VCV003490325.3).